The following is an entry in ClinVar:

ClinVar aggregate classification (germline): Benign. Review status: criteria provided, single submitter (1 of 4 stars). 2 submissions from 2 submitters: Benign (1). 1 of the submissions does not count toward it. Last evaluated 2019-12-31.

Conditions:
CNTN6-related disorder. Also called: CNTN6-related condition.

Allele frequency attached by ClinVar (database versions not stated): 1000 Genomes Project 0.00100; TOPMed 0.00238; gnomAD 0.00328; gnomAD exomes 0.00329 and 0.00425; ExAC 0.00333; ESP Exome Variant Server 0.00408; 1000 Genomes Project 30x 0.00078.
gnomAD v4.1: 6,585 of 1,595,168 alleles (0.41%); highest among the groups gnomAD compares: Non-Finnish European, 0.46%; 24 homozygotes.

Submissions (2):

Labcorp Genetics (formerly Invitae), Labcorp
Classification: Benign. Last evaluated: 2019-12-31. Review status: criteria provided, single submitter. Criteria: Invitae Variant Classification Sherloc (09022015). Collection method: clinical testing. Allele origin: germline.

PreventionGenetics, part of Exact Sciences
Classification: Likely benign for CNTN6-related condition. Last evaluated: 2019-09-05. Review status: no assertion criteria provided. Collection method: clinical testing. Allele origin: germline. Not counted in ClinVar's aggregate classification.
Comment: This variant is classified as likely benign based on ACMG/AMP sequence variant interpretation guidelines (Richards et al. 2015 PMID: 25741868, with internal and published modifications).

NM_001289080.2(CNTN6):c.1668+8A>T

Gene: CNTN6 (contactin 6; plus strand). Cytogenetic location: 3p26.3.
Variant type: single nucleotide variant.
Coding change: c.1668+8A>T on transcript NM_001289080.2 (MANE Select); 8 bases into the intron after coding-DNA position 1668, A replaced by T.
Molecular consequence: intron variant.
Genome position (GRCh38, 1-based): chr3:1,372,482, A>T. VCF-style: chr3-1372482-A-T. GRCh37 (hg19) VCF-style: chr3-1414166-A-T.
Other names: c.1668+8A>T (NM_001349351.2, NM_001349354.2, NM_014461.4 and 4 more transcripts); c.546+8A>T (NM_001349361.2, NM_001349362.2, NM_001349360.2 and 1 more transcripts); c.1113+8A>T (NM_001349358.2); c.1560+8A>T (NM_001349356.2); c.1356+8A>T (NM_001349357.2); c.1452+8A>T (NM_001289081.2).
Identifiers: ClinVar variation 776346 (VCV000776346.6), dbSNP rs202137418, ClinGen allele CA2226241.